The following is an entry in ClinVar:

ClinVar aggregate classification (germline): Benign/Likely benign. Review status: criteria provided, multiple submitters, no conflicts (2 of 4 stars). 3 submissions from 3 submitters: Benign (1); Likely benign (2). Last evaluated 2024-12-16.

Conditions:
Landau-Kleffner syndrome (FESD). Also called: EPILEPSY, FOCAL, WITH SPEECH DISORDER AND WITH OR WITHOUT MENTAL RETARDATION; APHASIA, ACQUIRED, WITH EPILEPSY. Identifiers: Orphanet 1945, Orphanet 725, Orphanet 98818, MedGen C0282512, MONDO:0009509, OMIM 245570.

Allele frequency attached by ClinVar (database versions not stated): ExAC 0.00008; 1000 Genomes Project 0.00040; gnomAD 0.00003 and 0.00001; gnomAD exomes 0.00008; 1000 Genomes Project 30x 0.00047; TOPMed 0.00003.
gnomAD v4.1: 111 of 1,614,078 alleles (0.0069%); highest among the groups gnomAD compares: East Asian, 0.029%; no homozygotes.

Submissions (3):

Labcorp Genetics (formerly Invitae), Labcorp
Classification: Likely benign for Landau-Kleffner syndrome. Last evaluated: 2024-12-16. Review status: criteria provided, single submitter. Criteria: Invitae Variant Classification Sherloc (09022015). Collection method: clinical testing. Allele origin: germline.

GeneDx
Classification: Likely benign. Last evaluated: 2020-03-05. Review status: criteria provided, single submitter. Criteria: GeneDx Variant Classification Process June 2021. Collection method: clinical testing. Allele origin: germline. Affected: yes.
Comment: In silico analysis supports that this missense variant does not alter protein structure/function

Illumina Laboratory Services, Illumina
Classification: Benign for Landau-Kleffner syndrome. Last evaluated: 2018-01-12. Review status: criteria provided, single submitter. Criteria: ICSL Variant Classification Criteria 13 December 2019. Collection method: clinical testing. Allele origin: germline.
Comment: This variant was observed in the ICSL laboratory as part of a predisposition screen in an ostensibly healthy population. It had not been previously curated by ICSL or reported in the Human Gene Mutation Database (HGMD: prior to June 1st, 2018), and was therefore a candidate for classification through an automated scoring system. Utilizing variant allele frequency, disease prevalence and penetrance estimates, and inheritance mode, an automated score was calculated to assess if this variant is too frequent to cause the disease. Based on the score and internal cut-off values, a variant classified as benign is not then subjected to further curation. The score for this variant resulted in a classification of benign for this disease.

NM_001134407.3(GRIN2A):c.3064C>T (p.Arg1022Cys)

Gene: GRIN2A (glutamate ionotropic receptor NMDA type subunit 2A; minus strand). Cytogenetic location: 16p13.2.
Variant type: single nucleotide variant.
Coding change: c.3064C>T on transcript NM_001134407.3 (MANE Select); coding-DNA position 3064, C replaced by T.
Protein change: p.Arg1022Cys; replaces arginine 1022 with cysteine.
Molecular consequence: missense variant.
Genome position (GRCh38, 1-based): chr16:9,764,480, G>A on the plus strand (C>T on the coding strand, the complement: GRIN2A is on the minus strand). VCF-style: chr16-9764480-G-A. GRCh37 (hg19) VCF-style: chr16-9858337-G-A.
Other names: c.3064C>T, p.Arg1022Cys (NM_000833.5, NM_001134408.2); short protein forms R1022C.
Identifiers: ClinVar variation 321607 (VCV000321607.15), dbSNP rs560057284, ClinGen allele CA7896379.